The following is an entry in ClinVar:

NM_003356.4(UCP3):c.810A>G (p.Thr270=)

Gene: UCP3 (uncoupling protein 3; minus strand). Cytogenetic location: 11q13.4.
Variant type: single nucleotide variant.
Coding change: c.810A>G on transcript NM_003356.4 (MANE Select); coding-DNA position 810, A replaced by G.
Protein change: p.Thr270=; no amino-acid change (threonine 270 retained).
Molecular consequence: synonymous variant.
Genome position (GRCh38, 1-based): chr11:74,003,841, T>C on the plus strand (A>G on the coding strand, the complement: UCP3 is on the minus strand). VCF-style: chr11-74003841-T-C. GRCh37 (hg19) VCF-style: chr11-73714886-T-C.
Other names: c.810A>G, p.Thr270= (NM_022803.3).
Identifiers: ClinVar variation 3348349 (VCV003348349.1).

ClinVar aggregate classification (germline): Likely benign (0 of 4 stars; one submission).

Conditions:
UCP3-related disorder. Also called: UCP3-related condition.

Submission:

PreventionGenetics, part of Exact Sciences
Classification: Likely benign for UCP3-related condition. Last evaluated: 2024-02-27. Review status: no assertion criteria provided. Collection method: clinical testing. Allele origin: germline.
Comment: This variant is classified as likely benign based on ACMG/AMP sequence variant interpretation guidelines (Richards et al. 2015 PMID: 25741868, with internal and published modifications).